The following is an entry in ClinVar:

NM_033056.4(PCDH15):c.5371CCT[1] (p.Pro1792_Pro1793del)

Gene: PCDH15 (protocadherin related 15; minus strand). Cytogenetic location: 10q21.1.
Variant type: Microsatellite.
Coding change: c.5371CCT[1] on transcript NM_033056.4 (MANE Plus Clinical); one copy of the 3-base unit CCT starting at c.5371; the reference has three copies in a row; two copies, 6 bases deleted; also written c.5374_5379del.
Protein change: p.Pro1792_Pro1793del.
Molecular consequence: inframe deletion. On other transcripts: intron variant (8).
Genome position (GRCh38, 1-based): chr10:53,822,347-53,822,352, AGGAGG deleted on the plus strand (CCTCCT on the coding strand, the reverse complement: PCDH15 is on the minus strand); deleting any 6 consecutive bases within chr10:53,822,347-53,822,356 gives the same sequence; the position shown is the placement nearest the transcript's 3' end. VCF-style (leftmost placement, unchanged base first): chr10-53822346-TAGGAGG-T. GRCh37 (hg19) VCF-style: chr10-55582106-TAGGAGG-T.
Other names: c.5374_5379del (NM_033056.4); c.5392CCT[1], p.Pro1799_Pro1800del (NM_001142763.2); c.5377CCT[1], p.Pro1794_Pro1795del (NM_001142764.2); c.5164CCT[1], p.Pro1723_Pro1724del (NM_001142765.2); c.5362CCT[1], p.Pro1789_Pro1790del (NM_001142766.2); c.5251CCT[1], p.Pro1752_Pro1753del (NM_001142767.2); c.5311CCT[1], p.Pro1772_Pro1773del (NM_001142768.2); c.5302CCT[1], p.Pro1769_Pro1770del (NM_001142773.2); and 8 more.
Identifiers: ClinVar variation 1334341 (VCV001334341.4), dbSNP rs978342737, ClinGen allele CA207218990.

ClinVar aggregate classification (germline): Uncertain significance. Review status: criteria provided, multiple submitters, no conflicts (2 of 4 stars). 3 submissions from 3 submitters: Uncertain significance (3). Last evaluated 2022-07-19.

Conditions:
Usher syndrome type 1D (USH1D). Also called: USHER SYNDROME, TYPE ID. Identifiers: Orphanet 231169, Orphanet 886, MedGen C1832845, MONDO:0010984, OMIM 601067.
Autosomal recessive nonsyndromic hearing loss 23. Identifiers: Orphanet 90636, MedGen C1836027, MONDO:0012293, OMIM 609533.
Usher syndrome type 1F (USH1F). Also called: USHER SYNDROME, TYPE IF. Identifiers: Orphanet 231169, Orphanet 886, MedGen C1865885, MONDO:0011186, OMIM 602083.

Submissions (3):

Labcorp Genetics (formerly Invitae), Labcorp
Classification: Uncertain significance. Last evaluated: 2022-07-19. Review status: criteria provided, single submitter. Criteria: Invitae Variant Classification Sherloc (09022015). Collection method: clinical testing. Allele origin: germline.
Comment: This variant, c.5374_5379del, results in the deletion of 2 amino acid(s) of the PCDH15 protein (p.Pro1792_Pro1793del), but otherwise preserves the integrity of the reading frame. This variant is present in population databases (no rsID available, gnomAD 0.007%). This variant has not been reported in the literature in individuals affected with PCDH15-related conditions. ClinVar contains an entry for this variant (Variation ID: 1334341). In summary, the available evidence is currently insufficient to determine the role of this variant in disease. Therefore, it has been classified as a Variant of Uncertain Significance.

GeneDx
Classification: Uncertain significance. Last evaluated: 2022-01-10. Review status: criteria provided, single submitter. Criteria: GeneDx Variant Classification Process June 2021. Collection method: clinical testing. Allele origin: germline. Affected: yes.
Comment: Not observed at significant frequency in large population cohorts (gnomAD); In-frame deletion of 2 amino acids in a non-repeat region; In silico analysis supports that this variant does not alter protein structure/function; Has not been previously published as pathogenic or benign to our knowledge; This variant is associated with the following publications: (PMID: 15537665)

Fulgent Genetics
Classification: Uncertain significance for Usher syndrome type 1D; Usher syndrome type 1F; Autosomal recessive nonsyndromic hearing loss 23. Last evaluated: 2021-07-30. Review status: criteria provided, single submitter. Criteria: ACMG Guidelines, 2015. Collection method: clinical testing. Allele origin: unknown.